The following is an entry in ClinVar:

NM_017617.5(NOTCH1):c.4960C>A (p.Pro1654Thr)

Gene: NOTCH1 (notch receptor 1; minus strand). Cytogenetic location: 9q34.3.
Variant type: single nucleotide variant.
Coding change: c.4960C>A on transcript NM_017617.5 (MANE Select); coding-DNA position 4960, C replaced by A.
Protein change: p.Pro1654Thr; replaces proline 1654 with threonine.
Molecular consequence: missense variant.
Genome position (GRCh38, 1-based): chr9:136,504,731, G>T on the plus strand (C>A on the coding strand, the complement: NOTCH1 is on the minus strand). VCF-style: chr9-136504731-G-T. GRCh37 (hg19) VCF-style: chr9-139399183-G-T.
Other names: short protein forms P1654T.
Identifiers: ClinVar variation 4827152 (VCV004827152.1).

ClinVar aggregate classification (germline): Uncertain significance (1 of 4 stars; one submission).

Conditions:
Familial thoracic aortic aneurysm and aortic dissection (TAAD). Also called: Thoracic aortic aneurysms and dissections. Identifiers: Orphanet 91387, MedGen C4707243, MONDO:0019625.

Submission:

Ambry Genetics
Classification: Uncertain significance for Familial thoracic aortic aneurysm and aortic dissection. Last evaluated: 2026-02-22. Review status: criteria provided, single submitter. Criteria: Ambry Variant Classification Scheme 2023. Collection method: clinical testing. Allele origin: germline.
Comment: The p.P1654T variant (also known as c.4960C>A), located in coding exon 26 of the NOTCH1 gene, results from a C to A substitution at nucleotide position 4960. The proline at codon 1654 is replaced by threonine, an amino acid with highly similar properties. This amino acid position is conserved. In addition, this alteration is predicted to be tolerated by in silico analysis. Based on the available evidence, the clinical significance of this variant remains unclear.